The following is an entry in ClinVar:

ClinVar aggregate classification (germline): Uncertain significance (1 of 4 stars; one submission).

Conditions:
MHC class II deficiency. Also called: Bare lymphocyte syndrome 2; BLS, TYPE II. Identifiers: Orphanet 572, MedGen C5447452, MONDO:0008855.

Allele frequency attached by ClinVar (database versions not stated): gnomAD 0.00001; TOPMed 0.00001; ExAC 0.00002; gnomAD exomes 0.00002.

Submission:

Labcorp Genetics (formerly Invitae), Labcorp
Classification: Uncertain significance for MHC class II deficiency. Last evaluated: 2021-08-26. Review status: criteria provided, single submitter. Criteria: Invitae Variant Classification Sherloc (09022015). Collection method: clinical testing. Allele origin: germline.
Comment: This sequence change replaces glutamic acid with lysine at codon 853 of the CIITA protein (p.Glu853Lys). The glutamic acid residue is moderately conserved and there is a small physicochemical difference between glutamic acid and lysine. This variant is present in population databases (rs771601751, ExAC 0.02%). This variant has not been reported in the literature in individuals affected with CIITA-related conditions. Algorithms developed to predict the effect of missense changes on protein structure and function output the following: SIFT: "Tolerated"; PolyPhen-2: "Benign"; Align-GVGD: "Class C0". The lysine amino acid residue is found in multiple mammalian species, which suggests that this missense change does not adversely affect protein function. In summary, the available evidence is currently insufficient to determine the role of this variant in disease. Therefore, it has been classified as a Variant of Uncertain Significance.

NM_000246.4(CIITA):c.2557G>A (p.Glu853Lys)

Gene: CIITA (class II major histocompatibility complex transactivator; plus strand). Cytogenetic location: 16p13.13.
Variant type: single nucleotide variant.
Coding change: c.2557G>A on transcript NM_000246.4 (MANE Select); coding-DNA position 2557, G replaced by A.
Protein change: p.Glu853Lys; replaces glutamic acid 853 with lysine.
Molecular consequence: missense variant. On other transcripts: intron variant (1).
Genome position (GRCh38, 1-based): chr16:10,908,049, G>A. VCF-style: chr16-10908049-G-A. GRCh37 (hg19) VCF-style: chr16-11001906-G-A.
Other names: c.2560G>A, p.Glu854Lys (NM_001286402.1, NM_001379332.1); c.2413G>A, p.Glu805Lys (NM_001379330.1); c.2410G>A, p.Glu804Lys (NM_001379331.1); c.2557G>A, p.Glu853Lys (NM_001379333.1); c.2488G>A, p.Glu830Lys (NM_001379334.1); c.860-934G>A (NM_001286403.2); short protein forms E805K, E854K, E830K, E853K, E804K.
Identifiers: ClinVar variation 2080250 (VCV002080250.1), dbSNP rs771601751, ClinGen allele CA7900402.
Genomic context (GRCh38, chr16:10,908,049, plus strand): 5'-CTCTCTTTTCTGGGCACCCGCCTCACGCCTCCTGATGCACATGTACTGGGCAAGGCCTTG[G>A]AGGCGGCGGGCCAAGACTTCTCCCTGGACCTCCGCAGCACTGGCATTTGCCCCTCTGGAT-3'
Protein context (NP_000237.2, residues 843-863): PDAHVLGKAL[Glu853Lys]AAGQDFSLDL